The following is an entry in ClinVar:

ClinVar aggregate classification (germline): Uncertain significance. Review status: criteria provided, multiple submitters, no conflicts (2 of 4 stars). 5 submissions from 5 submitters: Uncertain significance (5). Last evaluated 2025-09-05.

Conditions:
Hereditary cancer-predisposing syndrome. Also called: Hereditary Cancer Syndrome; Neoplastic Syndromes, Hereditary; Hereditary neoplastic syndrome; Tumor predisposition. Identifiers: Orphanet 140162, MedGen C0027672, MeSH D009386, MONDO:0015356.
Hereditary nonpolyposis colorectal neoplasms. Identifiers: MedGen C0009405, MeSH D003123.
Endometrial carcinoma. Also called: Endometrial carcinoma, somatic. Identifiers: MedGen C0476089, MONDO:0002447, OMIM 608089, HP:0012114.

Allele frequency attached by ClinVar (database versions not stated): gnomAD exomes below 0.00001; gnomAD 0.00001.

Submissions (5):

Color Diagnostics, LLC DBA Color Health
Classification: Uncertain significance for Hereditary cancer-predisposing syndrome. Last evaluated: 2025-09-05. Review status: criteria provided, single submitter. Criteria: ACMG Guidelines, 2015. Collection method: clinical testing. Allele origin: germline.
Comment: This variant inserts 29 nucleotides in exon 10 of the MSH6 gene, disrupting the translational stop signal and extending the MSH6 protein by 3 amino acids. To our knowledge, functional studies have not been reported for this variant. This variant has been reported in individuals affected with Lynch syndrome (external laboratory communication). This variant has not been identified in the general population by the Genome Aggregation Database (gnomAD). The available evidence is insufficient to determine the role of this variant in disease conclusively. Therefore, this variant is classified as a Variant of Uncertain Significance.

Labcorp Genetics (formerly Invitae), Labcorp
Classification: Uncertain significance for Hereditary nonpolyposis colorectal neoplasms. Last evaluated: 2025-07-25. Review status: criteria provided, single submitter. Criteria: Invitae Variant Classification Sherloc (09022015). Collection method: clinical testing. Allele origin: germline.
Comment: This sequence change disrupts the translational stop signal of the MSH6 mRNA. It is expected to extend the length of the MSH6 protein by 3 additional amino acid residues. This variant is not present in population databases (gnomAD no frequency). This variant has not been reported in the literature in individuals affected with MSH6-related conditions. ClinVar contains an entry for this variant (Variation ID: 428289). In summary, the available evidence is currently insufficient to determine the role of this variant in disease. Therefore, it has been classified as a Variant of Uncertain Significance.

Ambry Genetics
Classification: Uncertain significance for Hereditary cancer-predisposing syndrome. Last evaluated: 2025-06-16. Review status: criteria provided, single submitter. Criteria: Ambry Variant Classification Scheme 2023. Collection method: clinical testing. Allele origin: germline.
Comment: The c.4053_4081dup29 variant (also known as p.*1361Lext*3), located in coding exon 10 of the MSH6 gene, results from a duplication of 29 nucleotides at position 4053. This alteration disrupts the stop codon of the MSH6 gene and is predicted to preserve the native sequence while resulting in the elongation of the protein by three amino acids. The exact functional effect of the additional amino acids is unknown. This alteration segregated with colorectal cancer and/or colon polyps in three related individuals (Ambry internal data). Since supporting evidence is limited at this time, the clinical significance of this alteration remains unclear.

GeneDx
Classification: Uncertain significance. Last evaluated: 2024-05-24. Review status: criteria provided, single submitter. Criteria: GeneDx Variant Classification Process June 2021. Collection method: clinical testing. Allele origin: germline. Affected: yes.
Comment: Stop codon loss and change to a leucine codon, leading to protein extension and the addition of 3 amino acids at the C-terminus; Not observed at significant frequency in large population cohorts (gnomAD); Has not been previously published as pathogenic or benign to our knowledge

Baylor Genetics
Classification: Uncertain significance for Endometrial carcinoma. Last evaluated: 2023-10-10. Review status: criteria provided, single submitter. Criteria: ACMG Guidelines, 2015. Collection method: clinical testing. Allele origin: unknown.

NM_000179.3(MSH6):c.4053_4081dup (p.*1361Leuext*3)

Gene: MSH6 (mutS homolog 6; plus strand). Cytogenetic location: 2p16.3.
Variant type: Duplication.
Coding change: c.4053_4081dup on transcript NM_000179.3 (MANE Select); coding-DNA positions 4053 to 4081, 29 bases duplicated (TAAATTGCTGACTTTGATTAAGGAATTAT).
Protein change: p.*1361Leuext*3.
Genome position (GRCh38, 1-based): chr2:47,806,830-47,806,858, TAAATTGCTGACTTTGATTAAGGAATTAT duplicated. VCF-style (leftmost placement, unchanged base first): chr2-47806829-A-ATAAATTGCTGACTTTGATTAAGGAATTAT. GRCh37 (hg19) VCF-style: chr2-48033968-A-ATAAATTGCTGACTTTGATTAAGGAATTAT.
Other names: c.3663_3691dup, p.*1231Leuext*3 (NM_001281492.2); c.3147_3175dup, p.*1059Leuext*3 (NM_001281493.2, NM_001281494.2); c.4053_4081dup29 (NM_000179.2).
Identifiers: ClinVar variation 428289 (VCV000428289.17), dbSNP rs2104583584, ClinGen allele CA645369290.
Genomic context (GRCh38, chr2:47,806,829, plus strand): 5'-TAATTTTAAGGGAAGTTTGCCTGGCTAGTGAAAGGTCAACTGTAGATGCTGAAGCTGTCC[A>ATAAATTGCTGACTTTGATTAAGGAATTAT]TAAATTGCTGACTTTGATTAAGGAATTATAGACTGACTACATTGGAAGCTTTGAGTTGAC-3'